The following is an entry in ClinVar:

NM_001277115.2(DNAH11):c.7104C>A (p.Ile2368=)

Gene: DNAH11 (dynein axonemal heavy chain 11; plus strand). Cytogenetic location: 7p15.3.
Variant type: single nucleotide variant.
Coding change: c.7104C>A on transcript NM_001277115.2 (MANE Select); coding-DNA position 7104, C replaced by A.
Protein change: p.Ile2368=; no amino-acid change (isoleucine 2368 retained).
Molecular consequence: synonymous variant.
Genome position (GRCh38, 1-based): chr7:21,717,895, C>A. VCF-style: chr7-21717895-C-A. GRCh37 (hg19) VCF-style: chr7-21757513-C-A.
Other names: c.7125C>A, p.Ile2375= (NM_003777.3); c.7104C>A (NM_001277115.1).
Identifiers: ClinVar variation 2697207 (VCV002697207.5), dbSNP rs764940440, ClinGen allele CA4181106.

ClinVar aggregate classification (germline): Likely benign. Review status: criteria provided, multiple submitters, no conflicts (2 of 4 stars). 3 submissions from 3 submitters: Likely benign (3). Last evaluated 2025-10-15.

Conditions:
DNAH11-related disorder. Also called: DNAH11-related condition.
Primary ciliary dyskinesia. Also called: Ciliary dyskinesia. Identifiers: Orphanet 244, MedGen C0008780, MONDO:0016575, HP:0012265.

Allele frequency attached by ClinVar (database versions not stated): ExAC 0.00001; gnomAD 0.00001.
gnomAD v4.1: 29 of 1,613,520 alleles (0.0018%); highest among the groups gnomAD compares: Admixed American, 0.0067%; no homozygotes.

Submissions (3):

Labcorp Genetics (formerly Invitae), Labcorp
Classification: Likely benign for Primary ciliary dyskinesia. Last evaluated: 2025-10-15. Review status: criteria provided, single submitter. Criteria: Invitae Variant Classification Sherloc (09022015). Collection method: clinical testing. Allele origin: germline.

PreventionGenetics, part of Exact Sciences
Classification: Likely benign for DNAH11-related condition. Last evaluated: 2024-11-20. Review status: criteria provided, single submitter. Criteria: ACMG Guidelines, 2015. Collection method: clinical testing. Allele origin: germline.
Comment: This variant is classified as likely benign based on ACMG/AMP sequence variant interpretation guidelines (Richards et al. 2015 PMID: 25741868, with internal and published modifications).

Ambry Genetics
Classification: Likely benign for Primary ciliary dyskinesia. Last evaluated: 2024-05-17. Review status: criteria provided, single submitter. Criteria: Ambry Variant Classification Scheme 2023. Collection method: clinical testing. Allele origin: germline.